The following is an entry in ClinVar:

ClinVar aggregate classification (germline): Likely benign. Review status: criteria provided, single submitter (1 of 4 stars). 2 submissions from 2 submitters: Likely benign (1). 1 of the submissions does not count toward it. Last evaluated 2025-01-29.

Conditions:
Joubert syndrome. Also called: JOUBERT-BOLTSHAUSER SYNDROME; CEREBELLOPARENCHYMAL DISORDER IV; Familial aplasia of the vermis. Identifiers: Orphanet 475, MedGen C5979921, MONDO:0018772.
INPP5E-related disorder. Also called: INPP5E-related condition.

gnomAD v4.1: 24 of 1,610,736 alleles (0.0015%); highest among the groups gnomAD compares: Non-Finnish European, 0.002%; no homozygotes.

Submissions (2):

Labcorp Genetics (formerly Invitae), Labcorp
Classification: Likely benign for Joubert syndrome. Last evaluated: 2025-01-29. Review status: criteria provided, single submitter. Criteria: Invitae Variant Classification Sherloc (09022015). Collection method: clinical testing. Allele origin: germline.

PreventionGenetics, part of Exact Sciences
Classification: Likely benign for INPP5E-related condition. Last evaluated: 2023-10-10. Review status: no assertion criteria provided. Collection method: clinical testing. Allele origin: germline. Not counted in ClinVar's aggregate classification.
Comment: This variant is classified as likely benign based on ACMG/AMP sequence variant interpretation guidelines (Richards et al. 2015 PMID: 25741868, with internal and published modifications).

NM_019892.6(INPP5E):c.589C>T (p.Leu197=)

Gene: INPP5E (inositol polyphosphate-5-phosphatase E; minus strand). Cytogenetic location: 9q34.3.
Variant type: single nucleotide variant.
Coding change: c.589C>T on transcript NM_019892.6 (MANE Select); coding-DNA position 589, C replaced by T.
Protein change: p.Leu197=; no amino-acid change (leucine 197 retained).
Molecular consequence: synonymous variant.
Genome position (GRCh38, 1-based): chr9:136,438,831, G>A on the plus strand (C>T on the coding strand, the complement: INPP5E is on the minus strand). VCF-style: chr9-136438831-G-A. GRCh37 (hg19) VCF-style: chr9-139333283-G-A.
Other names: c.589C>T, p.Leu197= (NM_001318502.2).
Identifiers: ClinVar variation 3345612 (VCV003345612.3).